The following is an entry in ClinVar:

NM_182961.4(SYNE1):c.4250A>T (p.Gln1417Leu)

Gene: SYNE1 (spectrin repeat containing nuclear envelope protein 1; minus strand). Cytogenetic location: 6q25.2.
Variant type: single nucleotide variant.
Coding change: c.4250A>T on transcript NM_182961.4 (MANE Select); coding-DNA position 4250, A replaced by T.
Protein change: p.Gln1417Leu; replaces glutamine 1417 with leucine.
Molecular consequence: missense variant.
Genome position (GRCh38, 1-based): chr6:152,436,001, T>A on the plus strand (A>T on the coding strand, the complement: SYNE1 is on the minus strand). VCF-style: chr6-152436001-T-A. GRCh37 (hg19) VCF-style: chr6-152757136-T-A.
Other names: p.Gln1424Leu; c.4271A>T, p.Gln1424Leu (NM_033071.5); short protein forms Q1417L, Q1424L.
Identifiers: ClinVar variation 4541243 (VCV004541243.1).
Genomic context (GRCh38, chr6:152,436,001, plus strand): 5'-TCTTCTTCAAGCGTGTCTTCTAATTTTTTGACTTGTTCTTTGATTGACTTGGCCTGCTGT[T>A]GAAGCAGCTGCTTATTTTGGGGCCCAAGCGGTATCTCTGAAGCTTCCTTTACAAGGTTCT-3'
Protein context (NP_892006.3, residues 1407-1427): PLGPQNKQLL[Gln1417Leu]QQAKSIKEQV

ClinVar aggregate classification (germline): Uncertain significance (1 of 4 stars; one submission).

gnomAD v4.1: 3 of 1,614,070 alleles (0.00019%); highest among the groups gnomAD compares: African/African-American, 0.004%; no homozygotes.

Submission:

Mayo Clinic Laboratories, Mayo Clinic
Classification: Uncertain significance. Last evaluated: 2025-09-05. Review status: criteria provided, single submitter. Criteria: ACMG Guidelines, 2015. Collection method: clinical testing. Allele origin: germline. Observed: 1 variant allele.
Comment: BP4_moderate